The following is an entry in ClinVar:

ClinVar aggregate classification (germline): Likely benign. Review status: criteria provided, multiple submitters, no conflicts (2 of 4 stars). 5 submissions from 5 submitters: Likely benign (5). Last evaluated 2025-08-20.

Conditions:
Epilepsy, idiopathic generalized, susceptibility to, 13. Also called: EPILEPSY, JUVENILE MYOCLONIC, SUSCEPTIBILITY TO, 5. Identifiers: Orphanet 307, Orphanet 64280, MedGen C4013473, MONDO:0012627, OMIM 611136.
Idiopathic generalized epilepsy. Also called: Generalised epilepsy; EIG. Identifiers: MedGen C0270850, MONDO:0005579, OMIM 600669.
Epilepsy, childhood absence 4 (ECA4). Also called: EPILEPSY, CHILDHOOD ABSENCE, SUSCEPTIBILITY TO, 4. Identifiers: Orphanet 307, MedGen C1970160.
Inborn genetic diseases. Identifiers: MedGen C0950123, MeSH D030342.

Allele frequency attached by ClinVar (database versions not stated): TOPMed below 0.00001; gnomAD exomes 0.00001 and 0.00004; ExAC 0.00002; ESP Exome Variant Server 0.00008.
gnomAD v4.1: 58 of 1,591,422 alleles (0.0036%); highest among the groups gnomAD compares: Non-Finnish European, 0.0043%; no homozygotes.

Submissions (5):

Labcorp Genetics (formerly Invitae), Labcorp
Classification: Likely benign for Epilepsy, childhood absence 4; Epilepsy, idiopathic generalized, susceptibility to, 13; Idiopathic generalized epilepsy. Last evaluated: 2025-08-20. Review status: criteria provided, single submitter. Criteria: Invitae Variant Classification Sherloc (09022015). Collection method: clinical testing. Allele origin: germline.

Blueprint Genetics
Classification: Likely benign. Last evaluated: 2023-12-08. Review status: criteria provided, single submitter. Criteria: ACMG Guidelines, 2015. Collection method: clinical testing. Allele origin: germline.

CeGaT Center for Human Genetics Tuebingen
Classification: Likely benign. Last evaluated: 2023-06-01. Review status: criteria provided, single submitter. Criteria: CeGaT Center For Human Genetics Tuebingen Variant Classification Criteria Version 2. Collection method: clinical testing. Allele origin: germline. Affected: yes. Observed: 1 variant allele.
Comment: GABRA1: BP4, BP7

GeneDx
Classification: Likely benign. Last evaluated: 2018-06-28. Review status: criteria provided, single submitter. Criteria: GeneDx Variant Classification Process June 2021. Collection method: clinical testing. Allele origin: germline. Affected: yes.

Ambry Genetics
Classification: Likely benign for Inborn genetic diseases. Last evaluated: 2017-09-27. Review status: criteria provided, single submitter. Criteria: Ambry Variant Classification Scheme 2023. Collection method: clinical testing. Allele origin: germline.

NM_001127644.2(GABRA1):c.87G>A (p.Pro29=)

Gene: GABRA1 (gamma-aminobutyric acid type A receptor subunit alpha1; plus strand). Cytogenetic location: 5q34.
Variant type: single nucleotide variant.
Coding change: c.87G>A on transcript NM_001127644.2 (MANE Select); coding-DNA position 87, G replaced by A.
Protein change: p.Pro29=; no amino-acid change (proline 29 retained).
Molecular consequence: synonymous variant.
Genome position (GRCh38, 1-based): chr5:161,854,170, G>A. VCF-style: chr5-161854170-G-A. GRCh37 (hg19) VCF-style: chr5-161281176-G-A.
Other names: c.87G>A, p.Pro29= (NM_000806.5, NM_001127643.2, NM_001127645.2 and 1 more transcripts).
Identifiers: ClinVar variation 381108 (VCV000381108.38), dbSNP rs374399356, ClinGen allele CA3544340.